The following is an entry in ClinVar:

NM_016616.5(NME8):c.133A>G (p.Met45Val)

Gene: NME8 (NME/NM23 family member 8; plus strand). Cytogenetic location: 7p14.1.
Variant type: single nucleotide variant.
Coding change: c.133A>G on transcript NM_016616.5 (MANE Select); coding-DNA position 133, A replaced by G.
Protein change: p.Met45Val; replaces methionine 45 with valine.
Molecular consequence: missense variant.
Genome position (GRCh38, 1-based): chr7:37,850,670, A>G. VCF-style: chr7-37850670-A-G. GRCh37 (hg19) VCF-style: chr7-37890272-A-G.
Other names: short protein forms M45V.
Identifiers: ClinVar variation 1976584 (VCV001976584.5), dbSNP rs2483605604, ClinGen allele CA367219427.

ClinVar aggregate classification (germline): Uncertain significance (1 of 4 stars; one submission).

Conditions:
Primary ciliary dyskinesia 6. Also called: Primary Ciliary Dyskinesia 6: TXNDC3-Related Primary Ciliary Dyskinesia. Identifiers: Orphanet 244, MedGen C1970506, MONDO:0012571, OMIM 610852.

Allele frequency attached by ClinVar (database versions not stated): gnomAD exomes below 0.00001.
gnomAD v4.1: 2 of 1,613,566 alleles (0.00012%); highest among the groups gnomAD compares: Admixed American, 0.0033%; no homozygotes.

Submission:

Labcorp Genetics (formerly Invitae), Labcorp
Classification: Uncertain significance for Primary ciliary dyskinesia 6. Last evaluated: 2022-04-01. Review status: criteria provided, single submitter. Criteria: Invitae Variant Classification Sherloc (09022015). Collection method: clinical testing. Allele origin: germline.
Comment: This variant has not been reported in the literature in individuals affected with NME8-related conditions. Algorithms developed to predict the effect of missense changes on protein structure and function output the following: SIFT: "Tolerated"; PolyPhen-2: "Benign"; Align-GVGD: "Class C0". The valine amino acid residue is found in multiple mammalian species, which suggests that this missense change does not adversely affect protein function. In summary, the available evidence is currently insufficient to determine the role of this variant in disease. Therefore, it has been classified as a Variant of Uncertain Significance. This variant is not present in population databases (gnomAD no frequency). This sequence change replaces methionine, which is neutral and non-polar, with valine, which is neutral and non-polar, at codon 45 of the NME8 protein (p.Met45Val).